The following is an entry in ClinVar:

NM_000026.4(ADSL):c.263T>C (p.Val88Ala)

Gene: ADSL (adenylosuccinate lyase; plus strand). Cytogenetic location: 22q13.1.
Variant type: single nucleotide variant.
Coding change: c.263T>C on transcript NM_000026.4 (MANE Select); coding-DNA position 263, T replaced by C.
Protein change: p.Val88Ala; replaces valine 88 with alanine.
Molecular consequence: missense variant. On other transcripts: non-coding transcript variant (1).
Genome position (GRCh38, 1-based): chr22:40,349,941, T>C. VCF-style: chr22-40349941-T-C. GRCh37 (hg19) VCF-style: chr22-40745945-T-C.
Other names: p.V88A:GTG>GCG; c.263T>C, p.Val88Ala (NM_001123378.3, NM_001363840.3); c.71T>C, p.Val24Ala (NM_001317923.2); short protein forms V88A, V24A.
Identifiers: ClinVar variation 204806 (VCV000204806.3), dbSNP rs149165656, ClinGen allele CA313129.

ClinVar aggregate classification (germline): Uncertain significance. Review status: criteria provided, multiple submitters, no conflicts (2 of 4 stars). 2 submissions from 2 submitters: Uncertain significance (2). Last evaluated 2019-09-03.

Conditions:
Adenylosuccinate lyase deficiency (ADSLD). Also called: ADSL DEFICIENCY. Identifiers: Orphanet 46, MedGen C0268126, MONDO:0007068, OMIM 103050.

Allele frequency attached by ClinVar (database versions not stated): gnomAD exomes below 0.00001; TOPMed below 0.00001; gnomAD 0.00001; ESP Exome Variant Server 0.00008.
gnomAD v4.1: 2 of 1,614,188 alleles (0.00012%); highest among the groups gnomAD compares: Non-Finnish European, 0.00017%; no homozygotes.

Submissions (2):

Labcorp Genetics (formerly Invitae), Labcorp
Classification: Uncertain significance for Adenylosuccinate lyase deficiency. Last evaluated: 2019-09-03. Review status: criteria provided, single submitter. Criteria: Invitae Variant Classification Sherloc (09022015). Collection method: clinical testing. Allele origin: germline.
Comment: This sequence change replaces valine with alanine at codon 88 of the ADSL protein (p.Val88Ala). The valine residue is highly conserved and there is a small physicochemical difference between valine and alanine. This variant is not present in population databases (ExAC no frequency). This variant has not been reported in the literature in individuals with ADSL-related conditions. ClinVar contains an entry for this variant (Variation ID: 204806). Algorithms developed to predict the effect of missense changes on protein structure and function (SIFT, PolyPhen-2, Align-GVGD) all suggest that this variant is likely to be disruptive, but these predictions have not been confirmed by published functional studies and their clinical significance is uncertain. In summary, the available evidence is currently insufficient to determine the role of this variant in disease. Therefore, it has been classified as a Variant of Uncertain Significance.

GeneDx
Classification: Uncertain significance. Last evaluated: 2013-09-12. Review status: criteria provided, single submitter. Criteria: GeneDx Variant Classification (06012015). Collection method: clinical testing. Allele origin: germline. Affected: yes.
Comment: p.Val88Ala (GTG>GCG): c.263 T>C in exon 2 of the ADSL gene (NM_000026.2) The Val88Ala missense change has not been published as a mutation, nor has it been reported as a benign polymorphism to our knowledge. Val88Ala alters a conserved position in the ADSL protein and another missense mutation at a nearby codon (Asp87Glu) has been published in association with ADSL deficiency (Sivendran et al., 2004). In addition, in silico analysis predicts this variant is probably damaging to the protein structure/function. However, the amino acid substitution is conservative as both Valine and Alanine are uncharged, non-polar amino acid residues. Therefore, based on the currently available information, it is unclear whether Val88Ala is a disease-causing mutation or a rare benign variant. The variant is found in EPILEPSY panel(s).